The following is an entry in ClinVar:

NM_003108.4(SOX11):c.797T>C (p.Leu266Pro)

Gene: SOX11 (SRY-box transcription factor 11; plus strand). Cytogenetic location: 2p25.2.
Variant type: single nucleotide variant.
Coding change: c.797T>C on transcript NM_003108.4 (MANE Select); coding-DNA position 797, T replaced by C.
Protein change: p.Leu266Pro; replaces leucine 266 with proline.
Molecular consequence: missense variant.
Genome position (GRCh38, 1-based): chr2:5,693,518, T>C. VCF-style: chr2-5693518-T-C. GRCh37 (hg19) VCF-style: chr2-5833650-T-C.
Other names: short protein forms L266P.
Identifiers: ClinVar variation 4530711 (VCV004530711.1).

ClinVar aggregate classification (germline): Uncertain significance (1 of 4 stars; one submission).

gnomAD v4.1: 4 of 1,574,102 alleles (0.00025%); no homozygotes.

Submission:

GeneDx
Classification: Uncertain significance. Last evaluated: 2025-05-23. Review status: criteria provided, single submitter. Criteria: GeneDx Variant Classification Process June 2021. Collection method: clinical testing. Allele origin: germline. Affected: yes.
Comment: Not observed at significant frequency in large population cohorts (gnomAD); In silico analysis suggests that this missense variant does not alter protein structure/function; Has not been previously published as pathogenic or benign to our knowledge